The following is an entry in ClinVar:

NM_006662.3(SRCAP):c.4822C>T (p.Pro1608Ser)

Gene: SRCAP (Snf2 related CREBBP activator protein; plus strand). Cytogenetic location: 16p11.2.
Variant type: single nucleotide variant.
Coding change: c.4822C>T on transcript NM_006662.3 (MANE Select); coding-DNA position 4822, C replaced by T.
Protein change: p.Pro1608Ser; replaces proline 1608 with serine.
Molecular consequence: missense variant.
Genome position (GRCh38, 1-based): chr16:30,724,246, C>T. VCF-style: chr16-30724246-C-T. GRCh37 (hg19) VCF-style: chr16-30735567-C-T.
Other names: short protein forms P1608S.
Identifiers: ClinVar variation 3688277 (VCV003688277.3).

ClinVar aggregate classification (germline): Uncertain significance. Review status: criteria provided, multiple submitters, no conflicts (2 of 4 stars). 2 submissions from 2 submitters: Uncertain significance (2). Last evaluated 2025-07-07.

gnomAD v4.1: 4 of 1,613,998 alleles (0.00025%); highest among the groups gnomAD compares: African/African-American, 0.0013%; no homozygotes.

Submissions (2):

Women's Health and Genetics/Laboratory Corporation of America, LabCorp
Classification: Uncertain significance. Last evaluated: 2025-07-07. Review status: criteria provided, single submitter. Criteria: LabCorp Variant Classification Summary - May 2015. Collection method: clinical testing. Allele origin: germline.
Comment: Variant summary: SRCAP c.4822C>T (p.Pro1608Ser) results in a non-conservative amino acid change in the encoded protein sequence. Algorithms developed to predict the effect of missense changes on protein structure and function are either unavailable or do not agree on the potential impact of this missense change. The variant was absent in 251420 control chromosomes. The available data on variant occurrences in the general population are insufficient to allow any conclusion about variant significance. To our knowledge, no occurrence of c.4822C>T in individuals affected with Floating-Harbor Syndrome and no experimental evidence demonstrating its impact on protein function have been reported. ClinVar contains an entry for this variant (Variation ID: 3688277). Based on the evidence outlined above, the variant was classified as uncertain significance.

Labcorp Genetics (formerly Invitae), Labcorp
Classification: Uncertain significance. Last evaluated: 2024-10-23. Review status: criteria provided, single submitter. Criteria: Invitae Variant Classification Sherloc (09022015). Collection method: clinical testing. Allele origin: germline.
Comment: This sequence change replaces proline, which is neutral and non-polar, with serine, which is neutral and polar, at codon 1608 of the SRCAP protein (p.Pro1608Ser). This variant is not present in population databases (gnomAD no frequency). This variant has not been reported in the literature in individuals affected with SRCAP-related conditions. Invitae Evidence Modeling of protein sequence and biophysical properties (such as structural, functional, and spatial information, amino acid conservation, physicochemical variation, residue mobility, and thermodynamic stability) indicates that this missense variant is not expected to disrupt SRCAP protein function with a negative predictive value of 80%. In summary, the available evidence is currently insufficient to determine the role of this variant in disease. Therefore, it has been classified as a Variant of Uncertain Significance.